The following is an entry in ClinVar:

ClinVar aggregate classification (germline): Conflicting classifications of pathogenicity. Review status: criteria provided, conflicting classifications (1 of 4 stars). 2 submissions from 2 submitters: Likely pathogenic (1); Uncertain significance (1). Last evaluated 2026-01-26.

Conditions:
Familial thoracic aortic aneurysm and aortic dissection (TAAD). Also called: Thoracic aortic aneurysms and dissections. Identifiers: Orphanet 91387, MedGen C4707243, MONDO:0019625.

Allele frequency attached by ClinVar (database versions not stated): ExAC 0.00001; TOPMed 0.00001; ESP Exome Variant Server 0.00008.
gnomAD v4.1: 1 of 1,613,622 alleles (0.000062%); highest among the groups gnomAD compares: African/African-American, 0.0013%; no homozygotes.

Submissions (2):

Labcorp Genetics (formerly Invitae), Labcorp
Classification: Likely pathogenic for Familial thoracic aortic aneurysm and aortic dissection. Last evaluated: 2026-01-26. Review status: criteria provided, single submitter. Criteria: Invitae Variant Classification Sherloc (09022015). Collection method: clinical testing. Allele origin: germline.
Comment: This sequence change affects a donor splice site in intron 2 of the TGFBR1 gene. It is expected to disrupt RNA splicing. Variants that disrupt the donor or acceptor splice site typically lead to a loss of protein function (PMID: 16199547), and loss-of-function variants in TGFBR1 are known to be pathogenic (PMID: 21358634). The frequency data for this variant in the population databases is considered unreliable, as metrics indicate poor data quality at this position in the gnomAD database. Disruption of this splice site has been observed in individual(s) with clinical features of TGFBR1-related conditions (internal data). ClinVar contains an entry for this variant (Variation ID: 2957082). Algorithms developed to predict the effect of sequence changes on RNA splicing suggest that this variant may disrupt the consensus splice site. In summary, the currently available evidence indicates that the variant is pathogenic, but additional data are needed to prove that conclusively. Therefore, this variant has been classified as Likely Pathogenic.

Color Diagnostics, LLC DBA Color Health
Classification: Uncertain significance for Familial thoracic aortic aneurysm and aortic dissection. Last evaluated: 2025-09-23. Review status: criteria provided, single submitter. Criteria: ACMG Guidelines, 2015. Collection method: clinical testing. Allele origin: germline.
Comment: This variant causes a G to A nucleotide substitution at the +1 position of intron 2 of the TGFBR1 gene. To our knowledge, functional studies have not been reported for this variant. This variant has not been reported in individuals affected with TGFBR1-related disorders in the literature. This variant has not been identified in the general population by the Genome Aggregation Database (gnomAD). The available evidence is insufficient to determine the role of this variant in disease conclusively. Therefore, this variant is classified as a Variant of Uncertain Significance.

Literature cited by the submitters: PubMed 16199547 (cited by Labcorp Genetics (formerly Invitae), Labcorp); PubMed 21358634 (cited by Labcorp Genetics (formerly Invitae), Labcorp).

NM_004612.4(TGFBR1):c.343+1G>A

Gene: TGFBR1 (transforming growth factor beta receptor 1; plus strand). Cytogenetic location: 9q22.33.
Variant type: single nucleotide variant.
Coding change: c.343+1G>A on transcript NM_004612.4 (MANE Select); the canonical splice donor site of the intron after coding-DNA position 343, G replaced by A.
Molecular consequence: splice donor variant. On other transcripts: intron variant (3).
Genome position (GRCh38, 1-based): chr9:99,129,101, G>A. VCF-style: chr9-99129101-G-A. GRCh37 (hg19) VCF-style: chr9-101891383-G-A.
Other names: c.136+1G>A (NM_001407418.1, NM_001407423.1, NM_001407424.1 and 12 more transcripts); c.343+1G>A (NM_001306210.2, NM_001407416.1, NM_001407417.1 and 2 more transcripts); c.98-3408G>A (NM_001407436.1); c.98-8758G>A (NM_001407438.1); c.98-13435G>A (NM_001407437.1).
Identifiers: ClinVar variation 2957082 (VCV002957082.4), dbSNP rs144775920, ClinGen allele CA041627.